The following is an entry in ClinVar:

NM_001875.5(CPS1):c.334C>T (p.Leu112=)

Gene: CPS1 (carbamoyl-phosphate synthase 1; plus strand). Cytogenetic location: 2q34.
Variant type: single nucleotide variant.
Coding change: c.334C>T on transcript NM_001875.5 (MANE Select); coding-DNA position 334, C replaced by T.
Protein change: p.Leu112=; no amino-acid change (leucine 112 retained).
Molecular consequence: synonymous variant. On other transcripts: non-coding transcript variant (1).
Genome position (GRCh38, 1-based): chr2:210,576,443, C>T. VCF-style: chr2-210576443-C-T. GRCh37 (hg19) VCF-style: chr2-211441167-C-T.
Other names: c.334C>T, p.Leu112= (NM_001122633.3, NM_001369257.1); c.367C>T, p.Leu123= (NM_001369256.1).
Identifiers: ClinVar variation 790914 (VCV000790914.15), dbSNP rs149675371, ClinGen allele CA2085993.
Genomic context (GRCh38, chr2:210,576,443, plus strand): 5'-CAGATTCTCACAATGGCCAACCCTATTATTGGGAATGGTGGAGCTCCTGATACTACTGCT[C>T]TGGATGAACTGGGACTTAGCAAATATTTGGAGTCTAATGGAATCAAGGTAGTACCAGTGG-3'
Protein context (NP_001866.2, residues 102-122): GNGGAPDTTA[Leu112=]DELGLSKYLE

ClinVar aggregate classification (germline): Likely benign. Review status: criteria provided, multiple submitters, no conflicts (2 of 4 stars). 4 submissions from 4 submitters: Likely benign (2). 2 of the submissions do not count toward it. Last evaluated 2026-01-21.

Conditions:
CPS1-related disorder. Also called: CPS1-related condition.
Congenital hyperammonemia, type I. Also called: Carbamoyl phosphate synthetase 1 deficiency; Hyperammonemia due to carbamoyl phosphate synthetase 1 deficiency; CPS 1 deficiency; Carbamyl phosphate synthetase (CPS) deficiency; CPS I DEFICIENCY; Carbamoyl-phosphate synthase I deficiency. Identifiers: Orphanet 147, MedGen C4082171, MONDO:0009376, OMIM 237300.

Allele frequency attached by ClinVar (database versions not stated): TOPMed 0.00001; 1000 Genomes Project 30x 0.00031; 1000 Genomes Project 0.00040.
gnomAD v4.1: 183 of 1,613,664 alleles (0.011%); highest among the groups gnomAD compares: South Asian, 0.18%; no homozygotes.

Submissions (4):

Labcorp Genetics (formerly Invitae), Labcorp
Classification: Likely benign for Congenital hyperammonemia, type I. Last evaluated: 2026-01-21. Review status: criteria provided, single submitter. Criteria: Invitae Variant Classification Sherloc (09022015). Collection method: clinical testing. Allele origin: germline.

Blueprint Genetics
Classification: Likely benign. Last evaluated: 2024-09-23. Review status: criteria provided, single submitter. Criteria: ACMG Guidelines, 2015. Collection method: clinical testing. Allele origin: germline.

Natera, Inc.
Classification: Likely benign for Carbamoyl-phosphate synthase I deficiency. Last evaluated: 2020-09-16. Review status: no assertion criteria provided. Collection method: clinical testing. Allele origin: germline. Not counted in ClinVar's aggregate classification.

PreventionGenetics, part of Exact Sciences
Classification: Likely benign for CPS1-related condition. Last evaluated: 2019-02-21. Review status: no assertion criteria provided. Collection method: clinical testing. Allele origin: germline. Not counted in ClinVar's aggregate classification.
Comment: This variant is classified as likely benign based on ACMG/AMP sequence variant interpretation guidelines (Richards et al. 2015 PMID: 25741868, with internal and published modifications).